The following is an entry in ClinVar:

ClinVar aggregate classification (germline): Likely benign (1 of 4 stars; one submission).

Allele frequency attached by ClinVar (database versions not stated): ExAC 0.00002; TOPMed 0.00003; 1000 Genomes Project 30x 0.00031; 1000 Genomes Project 0.00040.
gnomAD v4.1: 4 of 1,613,828 alleles (0.00025%); highest among the groups gnomAD compares: African/African-American, 0.0053%; no homozygotes.

Submission:

GeneDx
Classification: Likely benign. Last evaluated: 2018-04-19. Review status: criteria provided, single submitter. Criteria: GeneDx Variant Classification (06012015). Collection method: clinical testing. Allele origin: germline. Affected: yes.
Comment: This variant is considered likely benign or benign based on one or more of the following criteria: it is a conservative change, it occurs at a poorly conserved position in the protein, it is predicted to be benign by multiple in silico algorithms, and/or has population frequency not consistent with disease.

NM_001267550.2(TTN):c.15150G>T (p.Gly5050=)

Gene: TTN (titin; minus strand). Cytogenetic location: 2q31.2.
Variant type: single nucleotide variant.
Coding change: c.15150G>T on transcript NM_001267550.2 (MANE Select); coding-DNA position 15150, G replaced by T.
Protein change: p.Gly5050=; no amino-acid change (glycine 5050 retained).
Molecular consequence: synonymous variant. On other transcripts: intron variant (3).
Genome position (GRCh38, 1-based): chr2:178,734,774, C>A on the plus strand (G>T on the coding strand, the complement: TTN is on the minus strand). VCF-style: chr2-178734774-C-A. GRCh37 (hg19) VCF-style: chr2-179599501-C-A.
Other names: c.14199G>T, p.Gly4733= (NM_001256850.1); c.11418G>T, p.Gly3806= (NM_133378.4); c.13282+3308G>T (NM_003319.4); c.13858+3308G>T (NM_133437.4); c.13657+3308G>T (NM_133432.3).
Identifiers: ClinVar variation 682278 (VCV000682278.1), dbSNP rs561295343, ClinGen allele CA2002286.
Genomic context (GRCh38, chr2:178,734,774, plus strand): 5'-AACTATTTCAGTACTGCAGCTATCACTGCCGACGTCATTCACTGCTTCACATGAGTAACT[C>A]CCACTGTCTTCAACTTTTACATCCGTAATATCAAGTATAGCCTCAGAATTGACAAAATAC-3'
Protein context (NP_001254479.2, residues 5040-5060): DITDVKVEDS[Gly5050=]SYSCEAVNDV